The following is an entry in ClinVar:

NM_001005361.3(DNM2):c.1040C>T (p.Ser347Leu)

Gene: DNM2 (dynamin 2; plus strand). Cytogenetic location: 19p13.2.
Variant type: single nucleotide variant.
Coding change: c.1040C>T on transcript NM_001005361.3 (MANE Select); coding-DNA position 1040, C replaced by T.
Protein change: p.Ser347Leu; replaces serine 347 with leucine.
Molecular consequence: missense variant.
Genome position (GRCh38, 1-based): chr19:10,793,767, C>T. VCF-style: chr19-10793767-C-T. GRCh37 (hg19) VCF-style: chr19-10904443-C-T.
Other names: c.1040C>T, p.Ser347Leu (NM_001005360.3, NM_001005362.3, NM_001190716.2 and 1 more transcripts); short protein forms S347L.
Identifiers: ClinVar variation 951012 (VCV000951012.9), dbSNP rs2071834284, ClinGen allele CA404047913.

ClinVar aggregate classification (germline): Uncertain significance (1 of 4 stars; one submission).

Conditions:
Charcot-Marie-Tooth disease dominant intermediate B (CMTDIB). Also called: CHARCOT-MARIE-TOOTH NEUROPATHY, DOMINANT INTERMEDIATE B; Charcot-Marie-Tooth disease dominant intermediate 1; CMT DI1; Charcot-Marie-Tooth disease dominant intermediate I. Identifiers: Orphanet 100044, Orphanet 228179, MedGen C1847902, MONDO:0011674, OMIM 606482.

Submission:

Labcorp Genetics (formerly Invitae), Labcorp
Classification: Uncertain significance for Charcot-Marie-Tooth disease dominant intermediate B. Last evaluated: 2019-06-20. Review status: criteria provided, single submitter. Criteria: Invitae Variant Classification Sherloc (09022015). Collection method: clinical testing. Allele origin: germline.
Comment: This sequence change replaces serine with leucine at codon 347 of the DNM2 protein (p.Ser347Leu). The serine residue is highly conserved and there is a large physicochemical difference between serine and leucine. This variant is not present in population databases (ExAC no frequency). In summary, the available evidence is currently insufficient to determine the role of this variant in disease. Therefore, it has been classified as a Variant of Uncertain Significance. Algorithms developed to predict the effect of missense changes on protein structure and function are either unavailable or do not agree on the potential impact of this missense change (SIFT: "Deleterious"; PolyPhen-2: "Possibly Damaging"; Align-GVGD: "Class C15"). This variant has not been reported in the literature in individuals with DNM2-related conditions.